The following is an entry in ClinVar:

ClinVar aggregate classification (germline): Uncertain significance (1 of 4 stars; one submission).

Submission:

Labcorp Genetics (formerly Invitae), Labcorp
Classification: Uncertain significance. Last evaluated: 2022-09-09. Review status: criteria provided, single submitter. Criteria: Invitae Variant Classification Sherloc (09022015). Collection method: clinical testing. Allele origin: germline.
Comment: This sequence change replaces aspartic acid, which is acidic and polar, with asparagine, which is neutral and polar, at codon 284 of the HNF1A protein (p.Asp284Asn). This variant is not present in population databases (gnomAD no frequency). This variant has not been reported in the literature in individuals affected with HNF1A-related conditions. Advanced modeling of protein sequence and biophysical properties (such as structural, functional, and spatial information, amino acid conservation, physicochemical variation, residue mobility, and thermodynamic stability) performed at Invitae indicates that this missense variant is not expected to disrupt HNF1A protein function. In summary, the available evidence is currently insufficient to determine the role of this variant in disease. Therefore, it has been classified as a Variant of Uncertain Significance.

NM_000545.8(HNF1A):c.850G>A (p.Asp284Asn)

Gene: HNF1A (HNF1 homeobox A; plus strand). Cytogenetic location: 12q24.31.
Variant type: single nucleotide variant.
Coding change: c.850G>A on transcript NM_000545.8 (MANE Select); coding-DNA position 850, G replaced by A.
Protein change: p.Asp284Asn; replaces aspartic acid 284 with asparagine.
Molecular consequence: missense variant.
Genome position (GRCh38, 1-based): chr12:120,994,300, G>A. VCF-style: chr12-120994300-G-A. GRCh37 (hg19) VCF-style: chr12-121432103-G-A.
Other names: c.850G>A, p.Asp284Asn (NM_001306179.2, NM_001406915.1); short protein forms D284N.
Identifiers: ClinVar variation 1719117 (VCV001719117.5), dbSNP rs2135842108, ClinGen allele CA386966536.